The following is an entry in ClinVar:

ClinVar aggregate classification (germline): Likely benign (1 of 4 stars; one submission).

gnomAD v4.1: 6 of 152,220 alleles (0.0039%); highest among the groups gnomAD compares: East Asian, 0.096%; no homozygotes.

Submission:

CeGaT Center for Human Genetics Tuebingen
Classification: Likely benign. Last evaluated: 2025-08-01. Review status: criteria provided, single submitter. Criteria: CeGaT Center For Human Genetics Tuebingen Variant Classification Criteria Version 2. Collection method: clinical testing. Allele origin: germline. Affected: yes. Observed: 1 variant allele.
Comment: PLA2G6: BP4, BP7

NM_003560.4(PLA2G6):c.2035-822G>A

Gene: PLA2G6 (phospholipase A2 group VI; minus strand). Cytogenetic location: 22q13.1.
Variant type: single nucleotide variant.
Coding change: c.2035-822G>A on transcript NM_003560.4 (MANE Select); 822 bases into the intron before coding-DNA position 2035, G replaced by A.
Molecular consequence: intron variant.
Genome position (GRCh38, 1-based): chr22:38,114,476, C>T on the plus strand (G>A on the coding strand, the complement: PLA2G6 is on the minus strand). VCF-style: chr22-38114476-C-T. GRCh37 (hg19) VCF-style: chr22-38510483-C-T.
Other names: c.1357-822G>A (NM_001349868.2); c.1873-822G>A (NM_001349866.2, NM_001199562.3, NM_001349865.2 and 1 more transcripts); c.1339-822G>A (NM_001349869.2); c.1501-822G>A (NM_001349867.2); c.2035-822G>A (NM_001349864.2).
Identifiers: ClinVar variation 4084791 (VCV004084791.8).